The following is an entry in ClinVar:

NM_001098668.4(SFTPA2):c.148G>C (p.Val50Leu)

Gene: SFTPA2 (surfactant protein A2; minus strand). Cytogenetic location: 10q22.3.
Variant type: single nucleotide variant.
Coding change: c.148G>C on transcript NM_001098668.4 (MANE Select); coding-DNA position 148, G replaced by C.
Protein change: p.Val50Leu; replaces valine 50 with leucine.
Molecular consequence: missense variant.
Genome position (GRCh38, 1-based): chr10:79,559,336, C>G on the plus strand (G>C on the coding strand, the complement: SFTPA2 is on the minus strand). VCF-style: chr10-79559336-C-G. GRCh37 (hg19) VCF-style: chr10-81319092-C-G.
Other names: c.148G>C, p.Val50Leu (NM_001320813.2); c.178G>C, p.Val60Leu (NM_001320814.1); short protein forms V50L, V60L.
Identifiers: ClinVar variation 227065 (VCV000227065.8), dbSNP rs192907309, ClinGen allele CA5574196.
Genomic context (GRCh38, chr10:79,559,336, plus strand): 5'-GTCCCTCAGCTGAGGGTGGGGTCTGCAGCACAGTACCTGGAGGGCCAGGGTCTCCTTTGA[C>G]ACCATCTCTCCCGTCCCTGCCTGGCAGGCCGTGGGATCCAGGAGTGCCGGGGATACCAGG-3'
Protein context (NP_001092138.1, residues 40-60): GLPGRDGRDG[Val50Leu]KGDPGPPGPM

ClinVar aggregate classification (germline): Benign/Likely benign. Review status: criteria provided, multiple submitters, no conflicts (2 of 4 stars). 4 submissions from 4 submitters: Benign (3); Likely benign (1). Last evaluated 2025-10-09.

Allele frequency attached by ClinVar (database versions not stated): gnomAD exomes 0.02311 and 0.02466; 1000 Genomes Project 30x 0.02389; ExAC 0.03888; TOPMed 0.03982; gnomAD 0.04097 and 0.04103.

Submissions (4):

Mayo Clinic Laboratories, Mayo Clinic
Classification: Benign. Last evaluated: 2025-10-09. Review status: criteria provided, single submitter. Criteria: ACMG Guidelines, 2015. Collection method: clinical testing. Allele origin: germline. Observed: 1 variant allele.
Comment: BS1, BS2, BP4_moderate

Blueprint Genetics
Classification: Likely benign. Last evaluated: 2024-11-27. Review status: criteria provided, single submitter. Criteria: ACMG Guidelines, 2015. Collection method: clinical testing. Allele origin: germline.

Laboratory for Molecular Medicine, Mass General Brigham Personalized Medicine
Classification: Benign. Last evaluated: 2015-03-12. Review status: criteria provided, single submitter. Criteria: LMM Criteria. Collection method: clinical testing. Allele origin: germline. Observed: 4 variant alleles.
Comment: p.Val50Leu in exon 3 of SFTPA2: This variant is not expected to have clinical si gnificance it has been identified in 5% (3378/62636) of European chromosomes by the Exome Aggregation Consortium (ExAC; dbSNP rs 192907309).

Breakthrough Genomics
Classification: Benign. Review status: criteria provided, single submitter. Criteria: ACMG Guidelines, 2015. Collection method: not provided. Allele origin: germline. Inheritance: Autosomal dominant inheritance. Affected: yes.

Literature cited by the submitters: PubMed 32508047 (cited by Mayo Clinic Laboratories, Mayo Clinic).